The following is an entry in ClinVar:

NM_006019.4(TCIRG1):c.1776G>A (p.Trp592Ter)

Gene: TCIRG1 (T cell immune regulator 1, ATPase H+ transporting V0 subunit a3; plus strand). Cytogenetic location: 11q13.2.
Variant type: single nucleotide variant.
Coding change: c.1776G>A on transcript NM_006019.4 (MANE Select); coding-DNA position 1776, G replaced by A.
Protein change: p.Trp592Ter; replaces tryptophan 592 with a stop codon.
Molecular consequence: nonsense.
Genome position (GRCh38, 1-based): chr11:68,049,183, G>A. VCF-style: chr11-68049183-G-A. GRCh37 (hg19) VCF-style: chr11-67816650-G-A.
Other names: c.882G>A, p.Trp294Ter (NM_001351059.2); c.1128G>A, p.Trp376Ter (NM_006053.4); short protein forms W294*, W376*, W592*.
Identifiers: ClinVar variation 1418205 (VCV001418205.6), dbSNP rs1855660497, ClinGen allele CA381586759.
Genomic context (GRCh38, chr11:68,049,183, plus strand): 5'-GGAGCTCACCTTCCTGCTGGGACTCTTCGGTTACCTCGTGTTCCTAGTCATCTACAAGTG[G>A]CTGTGTGTCTGGGCTGCCAGGGCCGCCTCGGCCCCCAGCATCCTCATCCACTTCATCAAC-3'

ClinVar aggregate classification (germline): Pathogenic (1 of 4 stars; one submission).

Submission:

Labcorp Genetics (formerly Invitae), Labcorp
Classification: Pathogenic. Last evaluated: 2022-08-16. Review status: criteria provided, single submitter. Criteria: Invitae Variant Classification Sherloc (09022015). Collection method: clinical testing. Allele origin: germline.
Comment: For these reasons, this variant has been classified as Pathogenic. ClinVar contains an entry for this variant (Variation ID: 1418205). This premature translational stop signal has been observed in individual(s) with malignant osteopetrosis (PMID: 30539151). This variant is not present in population databases (gnomAD no frequency). This sequence change creates a premature translational stop signal (p.Trp592*) in the TCIRG1 gene. It is expected to result in an absent or disrupted protein product. Loss-of-function variants in TCIRG1 are known to be pathogenic (PMID: 10888887, 10942435, 11532986, 19448635).

Literature cited by the submitters: PubMed 30539151; PubMed 10888887; PubMed 10942435; PubMed 11532986; PubMed 19448635.